The following continues an entry in ClinVar:

NM_000059.4(BRCA2):c.7988A>T (p.Glu2663Val)

Gene: BRCA2. ClinVar aggregate classification (germline): Pathogenic. Pathogenic (1).

Submissions 27 to 29 of 29:

Foulkes Cancer Genetics LDI, Lady Davis Institute for Medical Research
Classification: Pathogenic for Breast and/or ovarian cancer. Last evaluated: 2011-02-14. Review status: no assertion criteria provided. Collection method: clinical testing. Allele origin: germline. Study: The Canadian Open Genetics Repository (COGR). Not counted in ClinVar's aggregate classification.

Breast Cancer Information Core (BIC) (BRCA2)
Classification: Uncertain significance for Breast-ovarian cancer, familial 2. Last evaluated: 2002-05-29. Review status: no assertion criteria provided. Collection method: clinical testing. Allele origin: germline. Affected: yes. Observed: 9 variant alleles. Not counted in ClinVar's aggregate classification.

Department of Pathology and Laboratory Medicine, Sinai Health System
Classification: Pathogenic for Breast-ovarian cancer, familial, susceptibility to, 2. Review status: no assertion criteria provided. Collection method: clinical testing. Allele origin: unknown. Affected: yes. Observed: 6 variant alleles. Study: The Canadian Open Genetics Repository (COGR). Not counted in ClinVar's aggregate classification.
Comment: The BRCA2 p.Glu2663Val variant has been identified in 4/5646 proband chromosomes (frequency 0.001) of individuals with breast and/or ovarian cancer, and was not identified in 360 control chromosomes, increasing the likelihood this variant may have clinical significance (Akbari_2011_21965345, Borg_2010_20104584, Chenevix-Trench_2006_16489001, Sanz_2010_20215541, Walker_2010_20513136). The variant is listed in the dbSNP database (ID: rs80359031), but no frequency information was provided, and so the prevalence of this variant in the general population is not known. It has been reported in the BIC (9x) database as a variant of unknown significance. The p.Glu2663 residue is conserved across mammals and computational analyses (PolyPhen, SIFT, AlignGVGD) suggest that the p.Glu2663Val variant may impact the protein. Additionally, computational prediction software (SpliceSiteFinder, MaxEntScan, NNSPLICE, HumanSpliceFinder) predicts this variant could potentially generate a cryptic splice site; however, these in silico tools are not predictive enough to assume pathogenicity. Functional studies evaluating splicing predict this variant to be deleterious (Capanu_2011_21520273, Farrugia_2008_18451181, Karachin_2008_19043619, Kuznetsov_2008_16489001, Lindor_2012_21990134); Farrugia et al 2008 demonstrated this variant results in skiipping of exon 18 and is predicted to cause a premature truncation of the BRCA2 protein. However, one study evaluating LOH in tumours identified this variant on the lost allele suggesting neutrality (Chenevix-Trench_2006_16489001). Cosegregation analysis based on data compiled by Myriad Genetics calculated this variant to have odds of 233:1 in favour of causality (Easton_2007_17924331). The variant has been shown to segregate with cancer in multiple families in Myriad's internal data (personal communication). In summary, based on the above information, this variant is classified as pathogenic.

Literature cited by the submitters: PubMed 21990134 (cited by 8 submitters); PubMed 16489001 (cited by 8 submitters); PubMed 20104584 (cited by 6 submitters); PubMed 21965345 (cited by 5 submitters); PubMed 25452441 (cited by 7 submitters); PubMed 17924331 (cited by 7 submitters); PubMed 18451181 (cited by 9 submitters); PubMed 18607349 (cited by 10 submitters); PubMed 20513136 (cited by 11 submitters); PubMed 20215541 (cited by 7 submitters); PubMed 28339459 (cited by 7 submitters); PubMed 19043619 (cited by 3 submitters); PubMed 21520273 (cited by Ambry Genetics and Laboratory for Molecular Medicine, Mass General Brigham Personalized Medicine); PubMed 29446198 (cited by 5 submitters); PubMed 34399810 (cited by 5 submitters); PubMed 36169650 (cited by Center for Genomic Medicine, Rigshospitalet, Copenhagen University Hospital and Mayo Clinic Laboratories, Mayo Clinic); PubMed 18446624 (cited by 3 submitters); PubMed 23242139 (cited by Color Diagnostics, LLC DBA Color Health and All of Us Research Program, National Institutes of Health); PubMed 33439686 (cited by Color Diagnostics, LLC DBA Color Health and All of Us Research Program, National Institutes of Health); PubMed 33808557 (cited by Color Diagnostics, LLC DBA Color Health and All of Us Research Program, National Institutes of Health); PubMed 39779857 (cited by Color Diagnostics, LLC DBA Color Health); PubMed 33758026 (cited by 3 submitters); PubMed 33978741 (cited by Mayo Clinic Laboratories, Mayo Clinic); PubMed 33471991 (cited by Quest Diagnostics Nichols Institute San Juan Capistrano and Sema4); PubMed 30736279 (cited by Quest Diagnostics Nichols Institute San Juan Capistrano and Women's Health and Genetics/Laboratory Corporation of America, LabCorp); PubMed 23893897 (cited by Quest Diagnostics Nichols Institute San Juan Capistrano); PubMed 10923033 (cited by Laboratory for Molecular Medicine, Mass General Brigham Personalized Medicine); PubMed 24212087 (cited by Laboratory for Molecular Medicine, Mass General Brigham Personalized Medicine); PubMed 21702907 (cited by Laboratory for Molecular Medicine, Mass General Brigham Personalized Medicine).